The following is an entry in ClinVar:

NM_052947.4(ALPK2):c.1513A>G (p.Asn505Asp)

Gene: ALPK2 (alpha kinase 2; minus strand). Cytogenetic location: 18q21.31.
Variant type: single nucleotide variant.
Coding change: c.1513A>G on transcript NM_052947.4 (MANE Select); coding-DNA position 1513, A replaced by G.
Protein change: p.Asn505Asp; replaces asparagine 505 with aspartic acid.
Molecular consequence: missense variant.
Genome position (GRCh38, 1-based): chr18:58,579,263, T>C on the plus strand (A>G on the coding strand, the complement: ALPK2 is on the minus strand). VCF-style: chr18-58579263-T-C. GRCh37 (hg19) VCF-style: chr18-56246495-T-C.
Other names: short protein forms N505D.
Identifiers: ClinVar variation 1774257 (VCV001774257.3), dbSNP rs1156799880, ClinGen allele CA402562497.

ClinVar aggregate classification (germline): Uncertain significance (1 of 4 stars; one submission).

Allele frequency attached by ClinVar (database versions not stated): gnomAD exomes below 0.00001; TOPMed below 0.00001; gnomAD 0.00001.
gnomAD v4.1: 2 of 1,614,022 alleles (0.00012%); highest among the groups gnomAD compares: Non-Finnish European, 0.00017%; no homozygotes.

Submission:

Ambry Genetics
Classification: Uncertain significance. Last evaluated: 2024-10-19. Review status: criteria provided, single submitter. Criteria: Ambry Variant Classification Scheme 2023. Collection method: clinical testing. Allele origin: germline.
Comment: The p.N505D variant (also known as c.1513A>G), located in coding exon 3 of the ALPK2 gene, results from an A to G substitution at nucleotide position 1513. The asparagine at codon 505 is replaced by aspartic acid, an amino acid with highly similar properties. This amino acid position is conserved. In addition, this alteration is predicted to be tolerated by in silico analysis. Since supporting evidence is limited at this time, the clinical significance of this alteration remains unclear.